The following is an entry in ClinVar:

ClinVar aggregate classification (germline): Pathogenic (1 of 4 stars; one submission).

Submission:

Ambry Genetics
Classification: Pathogenic. Last evaluated: 2026-02-20. Review status: criteria provided, single submitter. Criteria: Ambry Variant Classification Scheme 2023. Collection method: clinical testing. Allele origin: germline.
Comment: The c.2118_2119delAG (p.G707Rfs*9) alteration, located in coding exon 1 of the ARHGAP35 gene, consists of a deletion of 2 nucleotides from position 2118 to 2119, causing a translational frameshift with a predicted alternate stop codon after 9 amino acids. This variant is expected to result in loss of function by premature protein truncation or nonsense-mediated mRNA decay. This variant was not reported in population-based cohorts in the Genome Aggregation Database (gnomAD). Based on the available evidence, this alteration is classified as pathogenic.

NM_004491.5(ARHGAP35):c.2118_2119del (p.Gly707fs)

Gene: ARHGAP35 (Rho GTPase activating protein 35; plus strand). Cytogenetic location: 19q13.32.
Variant type: Microsatellite.
Coding change: c.2118_2119del on transcript NM_004491.5 (MANE Select); coding-DNA positions 2118 to 2119, 2 bases deleted (AG; older notation c.2118_2119delAG).
Protein change: p.Gly707fs; shifts the reading frame from glycine 707.
Molecular consequence: frameshift variant.
Genome position (GRCh38, 1-based): chr19:46,920,793-46,920,794, AG deleted; deleting any 2 consecutive bases within chr19:46,920,789-46,920,794 gives the same sequence; the c. name uses the placement nearest the transcript's 3' end. VCF-style (leftmost placement, unchanged base first): chr19-46920788-AAG-A. GRCh37 (hg19) VCF-style: chr19-47424045-AAG-A.
Other names: short protein forms G707fs.
Identifiers: ClinVar variation 4830228 (VCV004830228.1).